The following is an entry in ClinVar:

NM_001291867.2(NHS):c.3979_3982del (p.Ser1327fs)

Gene: NHS (NHS actin remodeling regulator; plus strand). Cytogenetic location: Xp22.13.
Variant type: Microsatellite.
Coding change: c.3979_3982del on transcript NM_001291867.2 (MANE Select); coding-DNA positions 3979 to 3982, 4 bases deleted (TCAG; older notation c.3979_3982delTCAG).
Protein change: p.Ser1327fs; shifts the reading frame from serine 1327.
Molecular consequence: frameshift variant.
Genome position (GRCh38, 1-based): chrX:17,728,085-17,728,088, TCAG deleted; deleting any 4 consecutive bases within chrX:17,728,081-17,728,088 gives the same sequence; the c. name uses the placement nearest the transcript's 3' end. VCF-style (leftmost placement, unchanged base first): chrX-17728080-CTCAG-C. GRCh37 (hg19) VCF-style: chrX-17746200-CTCAG-C.
Other names: c.3448_3451del, p.Ser1150fs (NM_001136024.4); c.3385_3388del, p.Ser1129fs (NM_001291868.2); c.3916_3919del, p.Ser1306fs (NM_198270.4); short protein forms S1129fs, S1150fs, S1306fs, S1327fs.
Identifiers: ClinVar variation 1070594 (VCV001070594.7), dbSNP rs2147145062, ClinGen allele CA2580615390.

ClinVar aggregate classification (germline): Pathogenic (1 of 4 stars; one submission).

Conditions:
Nance-Horan syndrome (NHS). Identifiers: Orphanet 627, MedGen C0796085, MONDO:0010545, OMIM 302350.

Submission:

Labcorp Genetics (formerly Invitae), Labcorp
Classification: Pathogenic for Nance-Horan syndrome. Last evaluated: 2020-09-08. Review status: criteria provided, single submitter. Criteria: Invitae Variant Classification Sherloc (09022015). Collection method: clinical testing. Allele origin: germline.
Comment: For these reasons, this variant has been classified as Pathogenic. Loss-of-function variants in NHS are known to be pathogenic (PMID: 14564667, 19414485). This variant has not been reported in the literature in individuals with NHS-related conditions. This variant is not present in population databases (ExAC no frequency). This sequence change creates a premature translational stop signal (p.Ser1306Thrfs*9) in the NHS gene. It is expected to result in an absent or disrupted protein product.

Literature cited by the submitters: PubMed 14564667; PubMed 19414485.